The following is an entry in ClinVar:

NM_181426.2(CCDC39):c.2660dup (p.Ser888fs)

Genes: TTC14 (tetratricopeptide repeat domain 14; plus strand), CCDC39 (coiled-coil domain 39 molecular ruler complex subunit; minus strand). Cytogenetic location: 3q26.33.
Variant type: Duplication.
Coding change: c.2660dup on transcript NM_181426.2 (MANE Select); coding-DNA position 2660, one base duplicated (T; older notation c.2660dupT).
Protein change: p.Ser888fs; shifts the reading frame from serine 888.
Molecular consequence: frameshift variant. On other transcripts: intron variant (1).
Genome position (GRCh38, 1-based): chr3:180,616,290, A duplicated on the plus strand (T on the coding strand, the reverse complement: CCDC39 is on the minus strand). VCF-style (leftmost placement, unchanged base first): chr3-180616289-T-TA. GRCh37 (hg19) VCF-style: chr3-180334077-T-TA.
Other names: p.Ser888Ilefs*6; c.2660dup (NM_181426.1); c.1775-1090dup (NM_001288582.2); short protein forms S888fs.
Identifiers: ClinVar variation 194994 (VCV000194994.45), dbSNP rs200353947, ClinGen allele CA201488.
Genomic context (GRCh38, chr3:180,616,289, plus strand): 5'-TTAGTGTACAGCTGTGAGAGTTAAGCAGATTTTTTTTTAACCCTCCGCTTACCTTGCTGA[T>TA]AGTGAAGTATGTGAAGGAGATCTAGAGCTCTGACGACTGCCTTTTGTGCTAGCTGTAGGT-3'

ClinVar aggregate classification (germline): Benign/Likely benign. Review status: criteria provided, multiple submitters, no conflicts (2 of 4 stars). 7 submissions from 7 submitters: Benign (6); Likely benign (1). Last evaluated 2026-07-01.

Conditions:
Primary ciliary dyskinesia. Also called: Ciliary dyskinesia. Identifiers: Orphanet 244, MedGen C0008780, MONDO:0016575, HP:0012265.

Allele frequency attached by ClinVar (database versions not stated): gnomAD exomes 0.00792 and 0.01049; gnomAD 0.00823 and 0.00844; 1000 Genomes Project 30x 0.00562; ESP Exome Variant Server 0.00744; TOPMed 0.00757; ExAC 0.00808; 1000 Genomes Project 0.00539.

Submissions (7):

CeGaT Center for Human Genetics Tuebingen
Classification: Benign. Last evaluated: 2026-07-01. Review status: criteria provided, single submitter. Criteria: CeGaT Center For Human Genetics Tuebingen Variant Classification Criteria Version 2. Collection method: clinical testing. Allele origin: germline. Affected: yes. Observed: 17 variant alleles.
Comment: CCDC39: BS1, BS2

Labcorp Genetics (formerly Invitae), Labcorp
Classification: Benign for Primary ciliary dyskinesia. Last evaluated: 2026-02-01. Review status: criteria provided, single submitter. Criteria: Invitae Variant Classification Sherloc (09022015). Collection method: clinical testing. Allele origin: germline.

Mayo Clinic Laboratories, Mayo Clinic
Classification: Benign. Last evaluated: 2024-04-17. Review status: criteria provided, single submitter. Criteria: ACMG Guidelines, 2015. Collection method: clinical testing. Allele origin: germline. Observed: 4 variant alleles.
Comment: BS1, BS2, BP4

ARUP Laboratories, Molecular Genetics and Genomics, ARUP Laboratories
Classification: Benign. Last evaluated: 2023-10-02. Review status: criteria provided, single submitter. Criteria: ARUP Molecular Germline Variant Investigation Process 2024. Collection method: clinical testing. Allele origin: germline.

Ambry Genetics
Classification: Benign for Primary ciliary dyskinesia. Last evaluated: 2017-09-14. Review status: criteria provided, single submitter. Criteria: Ambry Variant Classification Scheme 2023. Collection method: clinical testing. Allele origin: germline.

Eurofins Ntd Llc (ga)
Classification: Benign. Last evaluated: 2015-02-12. Review status: criteria provided, single submitter. Criteria: EGL Classification Definitions. Collection method: clinical testing. Allele origin: germline. Observed: 1 variant allele, 1 heterozygote.

PreventionGenetics, part of Exact Sciences
Classification: Likely benign. Review status: criteria provided, single submitter. Criteria: ACMG Guidelines, 2015. Collection method: clinical testing. Allele origin: germline.

Literature cited by the submitters: PubMed 34768622 (cited by Mayo Clinic Laboratories, Mayo Clinic).